The following is an entry in ClinVar:

NM_001267550.2(TTN):c.26681C>T (p.Pro8894Leu)

Gene: TTN (titin; minus strand). Cytogenetic location: 2q31.2.
Variant type: single nucleotide variant.
Coding change: c.26681C>T on transcript NM_001267550.2 (MANE Select); coding-DNA position 26681, C replaced by T.
Protein change: p.Pro8894Leu; replaces proline 8894 with leucine.
Molecular consequence: missense variant. On other transcripts: intron variant (3).
Genome position (GRCh38, 1-based): chr2:178,713,977, G>A on the plus strand (C>T on the coding strand, the complement: TTN is on the minus strand). VCF-style: chr2-178713977-G-A. GRCh37 (hg19) VCF-style: chr2-179578704-G-A.
Other names: p.P7650L:CCG>CTG; c.25730C>T, p.Pro8577Leu (NM_001256850.1); c.22949C>T, p.Pro7650Leu (NM_133378.4); c.13282+24105C>T (NM_003319.4); c.13858+24105C>T (NM_133437.4); c.13657+24105C>T (NM_133432.3); short protein forms P8894L, P7650L, P8577L.
Identifiers: ClinVar variation 46786 (VCV000046786.34), dbSNP rs13398235, ClinGen allele CA283004.
Genomic context (GRCh38, chr2:178,713,977, plus strand): 5'-GTGCAGCTGTCTTTGCCAACAGGGTTCTGCACCTCAAAACTGTATACCCCACTGTCACTC[G>A]GTGCTACATTGATGATCTTAAGGCCGGATACTTTGTTGAAGAAGCTTATTTTGTATTTGT-3'
Protein context (NP_001254479.2, residues 8884-8904): VSGLKIINVA[Pro8894Leu]SDSGVYSFEV

ClinVar aggregate classification (germline): Benign/Likely benign. Review status: criteria provided, multiple submitters, no conflicts (2 of 4 stars). 22 submissions from 15 submitters: Benign (18); Likely benign (2). 2 of the submissions do not count toward it. Last evaluated 2026-02-04.

Conditions:
Cardiovascular phenotype. Identifiers: MedGen CN230736.
Dilated cardiomyopathy 1G (CMD1G). Identifiers: Orphanet 154, MedGen C1858763, MONDO:0011400, OMIM 604145.
Autosomal recessive limb-girdle muscular dystrophy type 2J (LGMDR10). Also called: MUSCULAR DYSTROPHY, LIMB-GIRDLE, AUTOSOMAL RECESSIVE 10; Limb-girdle muscular dystrophy, type 2J. Identifiers: Orphanet 140922, MedGen C1837342, MONDO:0012127, OMIM 608807.
Early-onset myopathy with fatal cardiomyopathy (CMYO5). Also called: CONGENITAL MYOPATHY 5 WITH CARDIOMYOPATHY; Salih Myopathy. Identifiers: Orphanet 289377, MedGen C2673677, MONDO:0012714, OMIM 611705. Disease mechanism: loss of function.
Tibial muscular dystrophy (TMD). Also called: Udd Distal Myopathy – Tibial Muscular Dystrophy; Tibial muscular dystrophy, tardive; UDD MYOPATHY. Identifiers: Orphanet 609, MedGen C1838244, MONDO:0010870, OMIM 600334.
Myopathy, myofibrillar, 9, with early respiratory failure (MFM9). Also called: Myopathy, distal, with early respiratory failure, autosomal dominant; Hereditary myopathy with early respiratory failure; MYOPATHY, PROXIMAL, WITH EARLY RESPIRATORY MUSCLE INVOLVEMENT; EDSTROM MYOPATHY. Identifiers: Orphanet 178464, Orphanet 34521, MedGen C1863599, MONDO:0011362, OMIM 603689.

Allele frequency attached by ClinVar (database versions not stated): ExAC 0.07510; 1000 Genomes Project 0.11142; 1000 Genomes Project 30x 0.11165; gnomAD 0.07839 and 0.08021; gnomAD exomes 0.04351 and 0.07844; ESP Exome Variant Server 0.06153; TOPMed 0.08640.
gnomAD v4.1: 76,237 of 1,613,384 alleles (4.7%); highest among the groups gnomAD compares: Admixed American, 18%; 3,935 homozygotes.

Submissions (22):

Labcorp Genetics (formerly Invitae), Labcorp
Classification: Benign for Dilated cardiomyopathy 1G; Autosomal recessive limb-girdle muscular dystrophy type 2J. Last evaluated: 2026-02-04. Review status: criteria provided, single submitter. Criteria: Invitae Variant Classification Sherloc (09022015). Collection method: clinical testing. Allele origin: germline.

Molecular Diagnostic Laboratory for Inherited Cardiovascular Disease, Montreal Heart Institute
Classification: Benign. Last evaluated: 2025-04-09. Review status: criteria provided, single submitter. Criteria: ACMG Guidelines, 2015. Collection method: clinical testing. Allele origin: germline. Affected: no.

Genome-Nilou Lab
Classification: Benign for Autosomal recessive limb-girdle muscular dystrophy type 2J. Last evaluated: 2021-09-10. Review status: criteria provided, single submitter. Criteria: ACMG Guidelines, 2015. Collection method: clinical testing. Allele origin: germline. Affected: no.

Genome-Nilou Lab
Classification: Benign for Myopathy, myofibrillar, 9, with early respiratory failure. Last evaluated: 2021-09-10. Review status: criteria provided, single submitter. Criteria: ACMG Guidelines, 2015. Collection method: clinical testing. Allele origin: germline. Affected: no.

Genome-Nilou Lab
Classification: Benign for Early-onset myopathy with fatal cardiomyopathy. Last evaluated: 2021-09-10. Review status: criteria provided, single submitter. Criteria: ACMG Guidelines, 2015. Collection method: clinical testing. Allele origin: germline. Affected: no.

Genome-Nilou Lab
Classification: Benign for Tibial muscular dystrophy. Last evaluated: 2021-09-10. Review status: criteria provided, single submitter. Criteria: ACMG Guidelines, 2015. Collection method: clinical testing. Allele origin: germline. Affected: no.

Women's Health and Genetics/Laboratory Corporation of America, LabCorp
Classification: Likely benign. Last evaluated: 2020-08-16. Review status: criteria provided, single submitter. Criteria: LabCorp Variant Classification Summary - May 2015. Collection method: clinical testing. Allele origin: germline.

Illumina Laboratory Services, Illumina
Classification: Benign for Myopathy, myofibrillar, 9, with early respiratory failure. Last evaluated: 2018-01-12. Review status: criteria provided, single submitter. Criteria: ICSL Variant Classification Criteria 13 December 2019. Collection method: clinical testing. Allele origin: germline.
Comment: This variant was observed in the ICSL laboratory as part of a predisposition screen in an ostensibly healthy population. It had not been previously curated by ICSL or reported in the Human Gene Mutation Database (HGMD: prior to June 1st, 2018), and was therefore a candidate for classification through an automated scoring system. Utilizing variant allele frequency, disease prevalence and penetrance estimates, and inheritance mode, an automated score was calculated to assess if this variant is too frequent to cause the disease. Based on the score and internal cut-off values, a variant classified as benign is not then subjected to further curation. The score for this variant resulted in a classification of benign for this disease.

Illumina Laboratory Services, Illumina
Classification: Benign for Tibial muscular dystrophy. Last evaluated: 2018-01-12. Review status: criteria provided, single submitter. Criteria: ICSL Variant Classification Criteria 13 December 2019. Collection method: clinical testing. Allele origin: germline.
Comment: the same text as in the submission from Illumina Laboratory Services, Illumina above.

Illumina Laboratory Services, Illumina
Classification: Benign for Autosomal recessive limb-girdle muscular dystrophy type 2J. Last evaluated: 2018-01-12. Review status: criteria provided, single submitter. Criteria: ICSL Variant Classification Criteria 13 December 2019. Collection method: clinical testing. Allele origin: germline.
Comment: the same text as in the submission from Illumina Laboratory Services, Illumina above.

Illumina Laboratory Services, Illumina
Classification: Benign for Early-onset myopathy with fatal cardiomyopathy. Last evaluated: 2018-01-12. Review status: criteria provided, single submitter. Criteria: ICSL Variant Classification Criteria 13 December 2019. Collection method: clinical testing. Allele origin: germline.
Comment: the same text as in the submission from Illumina Laboratory Services, Illumina above.

Illumina Laboratory Services, Illumina
Classification: Benign for Dilated cardiomyopathy 1G. Last evaluated: 2018-01-12. Review status: criteria provided, single submitter. Criteria: ICSL Variant Classification Criteria 13 December 2019. Collection method: clinical testing. Allele origin: germline.
Comment: the same text as in the submission from Illumina Laboratory Services, Illumina above.

Mayo Clinic Laboratories, Mayo Clinic
Classification: Benign. Last evaluated: 2017-08-24. Review status: criteria provided, single submitter. Criteria: ACMG Guidelines, 2015. Collection method: clinical testing. Allele origin: germline. Observed: 265 variant alleles.

Genetic Services Laboratory, University of Chicago
Classification: Benign for AllHighlyPenetrant. Last evaluated: 2013-08-15. Review status: criteria provided, single submitter. Criteria: ACMG Guidelines, 2007. Collection method: clinical testing. Allele origin: germline.

Biesecker Lab/Clinical Genomics Section, National Institutes of Health
Classification: Benign. Last evaluated: 2013-06-24. Review status: criteria provided, single submitter. Criteria: Ng et al. (Circ Cardiovasc Genet. 2013). Collection method: research. Allele origin: unknown. Observed: 41 variant alleles. Study: ClinSeq.
Comment: The study set was not selected for affection status in relation to any cancer. Pathogenicity categories were based on literature curation. See Pubmed ID:23861362 for details.

Medical sequencing

Ambry Genetics
Classification: Benign for Cardiovascular phenotype. Last evaluated: 2013-01-16. Review status: criteria provided, single submitter. Criteria: Ambry Autosomal Dominant and X-Linked criteria (10/2015). Collection method: clinical testing. Allele origin: germline. Observed: 1 variant allele.

GeneDx
Classification: Benign. Last evaluated: 2012-10-26. Review status: criteria provided, single submitter. Criteria: GeneDx Variant Classification (06012015). Collection method: clinical testing. Allele origin: germline. Affected: yes.
Comment: This variant is considered likely benign or benign based on one or more of the following criteria: it is a conservative change, it occurs at a poorly conserved position in the protein, it is predicted to be benign by multiple in silico algorithms, and/or has population frequency not consistent with disease.

Laboratory for Molecular Medicine, Mass General Brigham Personalized Medicine
Classification: Benign. Last evaluated: 2011-09-27. Review status: criteria provided, single submitter. Criteria: LMM Criteria. Collection method: clinical testing. Allele origin: germline. Observed: 213 variant alleles.

Breakthrough Genomics
Classification: Likely benign. Review status: criteria provided, single submitter. Criteria: ACMG Guidelines, 2015. Collection method: not provided. Allele origin: germline. Inheritance: Autosomal recessive inheritance. Affected: yes.

PreventionGenetics, part of Exact Sciences
Classification: Benign. Review status: criteria provided, single submitter. Criteria: ACMG Guidelines, 2015. Collection method: clinical testing. Allele origin: germline.

Clinical Genetics DNA and cytogenetics Diagnostics Lab, Erasmus MC, Erasmus Medical Center
Classification: Benign. Review status: no assertion criteria provided. Collection method: clinical testing. Allele origin: germline. Affected: yes. Study: VKGL Data-share Consensus. Not counted in ClinVar's aggregate classification.

Clinical Genetics, Academic Medical Center
Classification: Benign. Review status: no assertion criteria provided. Collection method: clinical testing. Allele origin: germline. Affected: yes. Study: VKGL Data-share Consensus. Not counted in ClinVar's aggregate classification.